The following is an entry in ClinVar:

NM_002941.4(ROBO1):c.228C>A (p.Asp76Glu)

Gene: ROBO1 (roundabout guidance receptor 1; minus strand). Cytogenetic location: 3p12.3.
Variant type: single nucleotide variant.
Coding change: c.228C>A on transcript NM_002941.4 (MANE Select); coding-DNA position 228, C replaced by A.
Protein change: p.Asp76Glu; replaces aspartic acid 76 with glutamic acid.
Molecular consequence: missense variant.
Genome position (GRCh38, 1-based): chr3:78,938,872, G>T on the plus strand (C>A on the coding strand, the complement: ROBO1 is on the minus strand). VCF-style: chr3-78938872-G-T. GRCh37 (hg19) VCF-style: chr3-78988022-G-T.
Other names: c.111C>A, p.Asp37Glu (NM_001145845.2, NM_133631.4); short protein forms D37E, D76E.
Identifiers: ClinVar variation 4681825 (VCV004681825.5).

ClinVar aggregate classification (germline): Uncertain significance (1 of 4 stars; one submission).

gnomAD v4.1: 3 of 1,613,848 alleles (0.00019%); highest among the groups gnomAD compares: East Asian, 0.0067%; no homozygotes.

Submission:

CeGaT Center for Human Genetics Tuebingen
Classification: Uncertain significance. Last evaluated: 2025-11-01. Review status: criteria provided, single submitter. Criteria: CeGaT Center For Human Genetics Tuebingen Variant Classification Criteria Version 2. Collection method: clinical testing. Allele origin: germline. Affected: yes. Observed: 1 variant allele.
Comment: ROBO1: PM2